The following is an entry in ClinVar:

NM_000202.8(IDS):c.1439C>G (p.Pro480Arg)

Gene: IDS (iduronate 2-sulfatase; minus strand). Cytogenetic location: Xq28.
Variant type: single nucleotide variant.
Coding change: c.1439C>G on transcript NM_000202.8 (MANE Select); coding-DNA position 1439, C replaced by G.
Protein change: p.Pro480Arg; replaces proline 480 with arginine.
Molecular consequence: missense variant.
Genome position (GRCh38, 1-based): chrX:149,482,960, G>C on the plus strand (C>G on the coding strand, the complement: IDS is on the minus strand). VCF-style: chrX-149482960-G-C. GRCh37 (hg19) VCF-style: chrX-148564491-G-C.
Other names: c.1169C>G, p.Pro390Arg (NM_001166550.4); short protein forms P390R, P480R.
Identifiers: ClinVar variation 3256060 (VCV003256060.2).

ClinVar aggregate classification (germline): Pathogenic (1 of 4 stars; one submission).

Conditions:
Mucopolysaccharidosis, MPS-II (MPS2). Also called: Hunter Syndrome; IDURONATE 2-SULFATASE DEFICIENCY; Mucopolysaccharidosis Type II; Mucopolysaccharidosis type 2; Attenuated MPS (subtype; formerly known as mild MPS II); Severe MPS II. Identifiers: Orphanet 580, Orphanet 79388, MedGen C0026705, MONDO:0010674, OMIM 309900.

Submission:

Laboratory of Diagnosis and Therapy of Lysosomal Disorders, University of Padova
Classification: Pathogenic for Mucopolysaccharidosis, MPS-II. Last evaluated: 2024-06-07. Review status: criteria provided, single submitter. Criteria: ACMG Guidelines, 2015. Collection method: literature only. Allele origin: germline. Affected: yes. Observed: 4 variant alleles.
Comment: Absent from controls (or at low frequency) in gnomAD database (PM2_Moderate), Missense change at the same amino acid residue as a pathogenic variant (PM5_Moderate), Missense variant in a gene with a low rate of benign missense variation (PP2_Supporting), Multiple lines of computational evidence support a deleterious effect (PP3_Supporting), Patient’s phenotype or family history highly specific for the disease (PP4_Strong)

Classification method: ACMG Guidelines [PMID:25741868] with modifications

Literature cited by the submitters: PubMed 9660053; PubMed 35005816; PubMed 14728992; PubMed 15500445.